The following is an entry in ClinVar:

NM_002972.4(SBF1):c.3418A>G (p.Ser1140Gly)

Gene: SBF1 (SET binding factor 1; minus strand). Cytogenetic location: 22q13.33.
Variant type: single nucleotide variant.
Coding change: c.3418A>G on transcript NM_002972.4 (MANE Select); coding-DNA position 3418, A replaced by G.
Protein change: p.Ser1140Gly; replaces serine 1140 with glycine.
Molecular consequence: missense variant.
Genome position (GRCh38, 1-based): chr22:50,460,025, T>C on the plus strand (A>G on the coding strand, the complement: SBF1 is on the minus strand). VCF-style: chr22-50460025-T-C. GRCh37 (hg19) VCF-style: chr22-50898454-T-C.
Other names: c.3421A>G, p.Ser1141Gly (NM_001365819.1, NM_001410794.1); c.3418A>G, p.Ser1140Gly (NM_001410795.1); short protein forms S1140G, S1141G.
Identifiers: ClinVar variation 3365406 (VCV003365406.1).
Genomic context (GRCh38, chr22:50,460,025, plus strand): 5'-CATACATGCGGTTGACCGGAGAAATGCGGAAGGGCTCAGACTTGGCCCGGCTCAGGCTGC[T>C]GCTCAGGGTGCCCAGACCGAGGCGCTGGTAGTCGCGACAGCAAGCCCTTTCCACCAGGCT-3'
Protein context (NP_002963.2, residues 1130-1150): YQRLGLGTLS[Ser1140Gly]SLSRAKSEPF

ClinVar aggregate classification (germline): Uncertain significance (1 of 4 stars; one submission).

gnomAD v4.1: 2 of 1,614,016 alleles (0.00012%); highest among the groups gnomAD compares: Non-Finnish European, 0.00017%; no homozygotes.

Submission:

GeneDx
Classification: Uncertain significance. Last evaluated: 2023-12-10. Review status: criteria provided, single submitter. Criteria: GeneDx Variant Classification Process June 2021. Collection method: clinical testing. Allele origin: germline. Affected: yes.
Comment: Not observed at significant frequency in large population cohorts (gnomAD); In silico analysis supports that this missense variant does not alter protein structure/function; Has not been previously published as pathogenic or benign to our knowledge